The following is an entry in ClinVar:

NM_006767.4(LZTR1):c.385A>G (p.Ser129Gly)

Gene: LZTR1 (leucine zipper like post translational regulator 1; plus strand). Cytogenetic location: 22q11.21.
Variant type: single nucleotide variant.
Coding change: c.385A>G on transcript NM_006767.4 (MANE Select); coding-DNA position 385, A replaced by G.
Protein change: p.Ser129Gly; replaces serine 129 with glycine.
Molecular consequence: missense variant.
Genome position (GRCh38, 1-based): chr22:20,987,568, A>G. VCF-style: chr22-20987568-A-G. GRCh37 (hg19) VCF-style: chr22-21341857-A-G.
Other names: short protein forms S129G.
Identifiers: ClinVar variation 1735578 (VCV001735578.18), dbSNP rs200390894, ClinGen allele CA10118400.

ClinVar aggregate classification (germline): Uncertain significance. Review status: criteria provided, multiple submitters, no conflicts (2 of 4 stars). 4 submissions from 4 submitters: Uncertain significance (4). Last evaluated 2026-01-17.

Conditions:
Hereditary cancer-predisposing syndrome. Also called: Neoplastic Syndromes, Hereditary; Tumor predisposition; Hereditary Cancer Syndrome; Hereditary neoplastic syndrome. Identifiers: Orphanet 140162, MedGen C0027672, MeSH D009386, MONDO:0015356.
Cardiovascular phenotype. Identifiers: MedGen CN230736.
Primary dilated cardiomyopathy (DCM). Also called: Dilated Cardiomyopathy. Identifiers: Orphanet 217604, MedGen C0007193, MeSH D002311, MONDO:0005021, HP:0001644. Inheritance: Various modes of inheritance.

Allele frequency attached by ClinVar (database versions not stated): gnomAD exomes 0.00001; TOPMed 0.00002; gnomAD 0.00003; ExAC 0.00004; 1000 Genomes Project 0.00020; 1000 Genomes Project 30x 0.00062.
gnomAD v4.1: 12 of 1,614,088 alleles (0.00074%); highest among the groups gnomAD compares: East Asian, 0.025%; no homozygotes.

Submissions (4):

Labcorp Genetics (formerly Invitae), Labcorp
Classification: Uncertain significance. Last evaluated: 2026-01-17. Review status: criteria provided, single submitter. Criteria: Invitae Variant Classification Sherloc (09022015). Collection method: clinical testing. Allele origin: germline.
Comment: This sequence change replaces serine, which is neutral and polar, with glycine, which is neutral and non-polar, at codon 129 of the LZTR1 protein (p.Ser129Gly). This variant is present in population databases (rs200390894, gnomAD 0.02%). This variant has not been reported in the literature in individuals affected with LZTR1-related conditions. ClinVar contains an entry for this variant (Variation ID: 1735578). Invitae Evidence Modeling of protein sequence and biophysical properties (such as structural, functional, and spatial information, amino acid conservation, physicochemical variation, residue mobility, and thermodynamic stability) indicates that this missense variant is not expected to disrupt LZTR1 protein function with a negative predictive value of 80%. In summary, the available evidence is currently insufficient to determine the role of this variant in disease. Therefore, it has been classified as a Variant of Uncertain Significance.

Ambry Genetics
Classification: Uncertain significance for Cardiovascular phenotype; Hereditary cancer-predisposing syndrome. Last evaluated: 2023-12-11. Review status: criteria provided, single submitter. Criteria: Ambry Variant Classification Scheme 2023. Collection method: clinical testing. Allele origin: germline.
Comment: The c.385A>G variant (also known as p.S129G), located in coding exon 4 of the LZTR1 gene, results from an A to G substitution at nucleotide position 385. The serine at codon 129 is replaced by glycine, an amino acid with similar properties. This nucleotide position is highly conserved in available vertebrate species. In silico splice site analysis predicts that this alteration will not have any significant effect on splicing. RNA studies have demonstrated that this alteration results in an incomplete splice defect; the clinical impact of this abnormal splicing is unknown at this time (Ambry internal data). Since supporting evidence is limited at this time, the clinical significance of this alteration remains unclear.

GeneDx
Classification: Uncertain significance. Last evaluated: 2023-09-29. Review status: criteria provided, single submitter. Criteria: GeneDx Variant Classification Process June 2021. Collection method: clinical testing. Allele origin: germline. Affected: yes.
Comment: In silico analysis supports that this missense variant has a deleterious effect on protein structure/function; Has not been previously published as pathogenic or benign to our knowledge

Clinical Center for Gene Diagnosis and Therapy, Department of Cardiovascular Surgery, The Second Xiangya Hospital of Central South University
Classification: Uncertain significance for Primary dilated cardiomyopathy. Last evaluated: 2023-06-01. Review status: criteria provided, single submitter. Criteria: ACMG Guidelines, 2015. Collection method: clinical testing. Allele origin: germline. Affected: yes.